The following is an entry in ClinVar:

ClinVar aggregate classification (germline): Likely pathogenic (1 of 4 stars; one submission).

Conditions:
Autosomal recessive limb-girdle muscular dystrophy type 2J (LGMDR10). Also called: Limb-girdle muscular dystrophy, type 2J; MUSCULAR DYSTROPHY, LIMB-GIRDLE, AUTOSOMAL RECESSIVE 10. Identifiers: Orphanet 140922, MedGen C1837342, MONDO:0012127, OMIM 608807.
Dilated cardiomyopathy 1G (CMD1G). Identifiers: Orphanet 154, MedGen C1858763, MONDO:0011400, OMIM 604145.

Submission:

Labcorp Genetics (formerly Invitae), Labcorp
Classification: Likely pathogenic for Dilated cardiomyopathy 1G; Autosomal recessive limb-girdle muscular dystrophy type 2J. Last evaluated: 2025-11-03. Review status: criteria provided, single submitter. Criteria: Invitae Variant Classification Sherloc (09022015). Collection method: clinical testing. Allele origin: germline.
Comment: This sequence change affects an acceptor splice site in intron 126 of the TTN gene. It is expected to disrupt RNA splicing and likely results in a truncated or disrupted TTN protein. This variant is not present in population databases (gnomAD no frequency). This variant has not been reported in the literature in individuals affected with TTN-related conditions. Algorithms developed to predict the effect of sequence changes on RNA splicing suggest that this variant may disrupt the consensus splice site. This variant is located in the I band of TTN (PMID: 25589632). Truncating variants in this region have been reported in individuals affected with autosomal recessive centronuclear myopathy (PMID: 23975875, internal data). Truncating variants in this region have also been identified in individuals affected with autosomal dominant dilated cardiomyopathy and/or cardio-related conditions (PMID: 27869827, 32964742, internal data). In summary, the currently available evidence indicates that the variant is pathogenic, but additional data are needed to prove that conclusively. Therefore, this variant has been classified as Likely Pathogenic.

Literature cited by the submitters: PubMed 25589632; PubMed 23975875; PubMed 27869827; PubMed 32964742.

NM_001267550.2(TTN):c.32198-2A>G

Gene: TTN (titin; minus strand). Cytogenetic location: 2q31.2.
Variant type: single nucleotide variant.
Coding change: c.32198-2A>G on transcript NM_001267550.2 (MANE Select); the canonical splice acceptor site of the intron before coding-DNA position 32198, A replaced by G.
Molecular consequence: splice acceptor variant. On other transcripts: intron variant (3).
Genome position (GRCh38, 1-based): chr2:178,688,226, T>C on the plus strand (A>G on the coding strand, the complement: TTN is on the minus strand). VCF-style: chr2-178688226-T-C. GRCh37 (hg19) VCF-style: chr2-179552953-T-C.
Other names: c.13283-45909A>G (NM_003319.4); c.13859-45909A>G (NM_133437.4); c.13658-45909A>G (NM_133432.3); c.28466-2A>G (NM_133378.4); c.31247-2A>G (NM_001256850.1).
Identifiers: ClinVar variation 4786039 (VCV004786039.1).
Genomic context (GRCh38, chr2:178,688,226, plus strand): 5'-AACTGAAATGGACACACCTTCCTCCTCTTCTGAGTAACTCCATTCCTCCTCTGCAGATAC[T>C]TTAAAAGATAAGGTTTCATTTAAATTCAGCCTGCTGAGATACAGATGTATATACAGCCAT-3'